The following is an entry in ClinVar:

NM_001367873.1(SOX6):c.514G>A (p.Glu172Lys)

Gene: SOX6 (SRY-box transcription factor 6; minus strand). Cytogenetic location: 11p15.2.
Variant type: single nucleotide variant.
Coding change: c.514G>A on transcript NM_001367873.1 (MANE Select); coding-DNA position 514, G replaced by A.
Protein change: p.Glu172Lys; replaces glutamic acid 172 with lysine.
Molecular consequence: missense variant.
Genome position (GRCh38, 1-based): chr11:16,234,603, C>T on the plus strand (G>A on the coding strand, the complement: SOX6 is on the minus strand). VCF-style: chr11-16234603-C-T. GRCh37 (hg19) VCF-style: chr11-16256149-C-T.
Other names: c.514G>A, p.Glu172Lys (NM_001145811.2, NM_001145819.2, NM_001367872.1 and 2 more transcripts); short protein forms E172K.
Identifiers: ClinVar variation 2662689 (VCV002662689.2), dbSNP rs1326444310, ClinGen allele CA379877324.
Genomic context (GRCh38, chr11:16,234,603, plus strand): 5'-ATCACTGCATTGACATGTTCGATATATTTTATGTTGTACCTTTAATTTCTCCAAGAAGTT[C>T]ACTGGTATTTAGTCTTTCCATTTTTTCCTTCCAATCTTTTGAAAGTAGTTTTTCCATGCA-3'
Protein context (NP_001354802.1, residues 162-182): KEKMERLNTS[Glu172Lys]LLGEIKGTPE

ClinVar aggregate classification (germline): Uncertain significance. Review status: criteria provided, multiple submitters, no conflicts (2 of 4 stars). 2 submissions from 2 submitters: Uncertain significance (2). Last evaluated 2025-04-02.

Conditions:
Inborn genetic diseases. Identifiers: MedGen C0950123, MeSH D030342.

Allele frequency attached by ClinVar (database versions not stated): gnomAD exomes 0.00001; TOPMed 0.00001.
gnomAD v4.1: 3 of 1,593,440 alleles (0.00019%); highest among the groups gnomAD compares: Admixed American, 0.005%; no homozygotes.

Submissions (2):

Ambry Genetics
Classification: Uncertain significance for Inborn genetic diseases. Last evaluated: 2025-04-02. Review status: criteria provided, single submitter. Criteria: Ambry Variant Classification Scheme 2023. Collection method: clinical testing. Allele origin: germline.

GeneDx
Classification: Uncertain significance. Last evaluated: 2023-04-13. Review status: criteria provided, single submitter. Criteria: GeneDx Variant Classification Process June 2021. Collection method: clinical testing. Allele origin: germline. Affected: yes.
Comment: Not observed at significant frequency in large population cohorts (gnomAD); In silico analysis supports that this missense variant does not alter protein structure/function; Has not been previously published as pathogenic or benign to our knowledge